The following is an entry in ClinVar:

ClinVar aggregate classification (germline): Uncertain significance (1 of 4 stars; one submission).

Conditions:
PLXNA2-related disorder. Also called: PLXNA2-related condition.

gnomAD v4.1: 3 of 1,614,148 alleles (0.00019%); highest among the groups gnomAD compares: African/African-American, 0.004%; no homozygotes.

Submission:

PreventionGenetics, part of Exact Sciences
Classification: Uncertain significance for PLXNA2-related condition. Last evaluated: 2024-11-27. Review status: criteria provided, single submitter. Criteria: ACMG Guidelines, 2015. Collection method: clinical testing. Allele origin: germline.
Comment: The PLXNA2 c.2878A>G variant is predicted to result in the amino acid substitution p.Asn960Asp. To our knowledge, this variant has not been reported in the literature. This variant is reported in 0.0062% of alleles in individuals of African descent in gnomAD. At this time, the clinical significance of this variant is uncertain due to the absence of conclusive functional and genetic evidence.

NM_025179.4(PLXNA2):c.2878A>G (p.Asn960Asp)

Gene: PLXNA2 (plexin A2; minus strand). Cytogenetic location: 1q32.2.
Variant type: single nucleotide variant.
Coding change: c.2878A>G on transcript NM_025179.4 (MANE Select); coding-DNA position 2878, A replaced by G.
Protein change: p.Asn960Asp; replaces asparagine 960 with aspartic acid.
Molecular consequence: missense variant.
Genome position (GRCh38, 1-based): chr1:208,052,442, T>C on the plus strand (A>G on the coding strand, the complement: PLXNA2 is on the minus strand). VCF-style: chr1-208052442-T-C. GRCh37 (hg19) VCF-style: chr1-208225787-T-C.
Other names: short protein forms N960D.
Identifiers: ClinVar variation 4999817 (VCV004999817.1).
Genomic context (GRCh38, chr1:208,052,442, plus strand): 5'-CAAGGTAATGGCCGGTAATGGTCACCATAGTGCCTCCTGACTCGGGACCTCGGATTGGGT[T>C]GAGTGACAGCACAGAAGGGTTCTTTGGAAAGAAGCAGAGAAATGACTACAGCTTAGGTTT-3'
Protein context (NP_079455.3, residues 950-970): TFVNPSVLSL[Asn960Asp]PIRGPESGGT